The following is an entry in ClinVar:

ClinVar aggregate classification (germline): Benign. Review status: reviewed by expert panel (3 of 4 stars). 10 submissions from 8 submitters: Benign (1). 9 of the submissions do not count toward it. Last evaluated 2018-09-28.

Conditions:
Nonsyndromic genetic hearing loss. Also called: Non-syndromic genetic deafness; Nonsyndromic hearing loss and deafness; Nonsyndromic genetic deafness. Identifiers: Orphanet 87884, MedGen C5680182, MONDO:0019497.
Usher syndrome type 1 (USH1). Also called: RETINITIS PIGMENTOSA AND CONGENITAL DEAFNESS. Identifiers: Orphanet 231169, Orphanet 886, MedGen C1568247, MONDO:0010168, OMIM 276900.
Autosomal recessive nonsyndromic hearing loss 2. Also called: NEUROSENSORY NONSYNDROMIC RECESSIVE DEAFNESS 2; DEAFNESS, AUTOSOMAL RECESSIVE 2. Identifiers: Orphanet 90636, MedGen C1838701, MONDO:0010807, OMIM 600060.
Usher syndrome type 1B (USH1B). Also called: Usher syndrome type IB. Identifiers: MedGen C1848638, MONDO:0700087.
Autosomal dominant nonsyndromic hearing loss 11. Identifiers: Orphanet 90635, MedGen C1832475, MONDO:0011032, OMIM 601317.

Allele frequency attached by ClinVar (database versions not stated): gnomAD 0.00030 and 0.00040; TOPMed 0.00059; gnomAD exomes 0.00120; ExAC 0.00153; 1000 Genomes Project 0.00280; 1000 Genomes Project 30x 0.00297.
gnomAD v4.1: 391 of 1,611,436 alleles (0.024%); highest among the groups gnomAD compares: East Asian, 0.82%; 4 homozygotes.

Submissions (10):

ClinGen Hearing Loss Variant Curation Expert Panel
Classification: Benign for Nonsyndromic genetic hearing loss. Last evaluated: 2018-09-28. Review status: reviewed by expert panel. Criteria: ClinGen HL ACMG Specifications v1. Collection method: curation. Allele origin: germline.
Comment: The filtering allele frequency of the p.Tyr108= variant in the MYO7A gene is 1.45% (300/18658) of East Asian chromosomes by the Genome Aggregation Database (calculated by using inverse allele frequency at an online resource), which is a high enough frequency to be classified as benign based on thresholds defined by the ClinGen Hearing Loss Expert Panel for autosomal dominant hearing loss variants (BA1).

Labcorp Genetics (formerly Invitae), Labcorp
Classification: Benign. Last evaluated: 2026-01-26. Review status: criteria provided, single submitter. Criteria: Invitae Variant Classification Sherloc (09022015). Collection method: clinical testing. Allele origin: germline. Not counted in ClinVar's aggregate classification.

CeGaT Center for Human Genetics Tuebingen
Classification: Likely benign. Last evaluated: 2025-07-01. Review status: criteria provided, single submitter. Criteria: CeGaT Center For Human Genetics Tuebingen Variant Classification Criteria Version 2. Collection method: clinical testing. Allele origin: germline. Affected: yes. Observed: 2 variant alleles. Not counted in ClinVar's aggregate classification.
Comment: MYO7A: BP4

Blueprint Genetics
Classification: Likely benign. Last evaluated: 2024-11-08. Review status: criteria provided, single submitter. Criteria: ACMG Guidelines, 2015. Collection method: clinical testing. Allele origin: germline. Not counted in ClinVar's aggregate classification.

GeneDx
Classification: Benign. Last evaluated: 2019-02-11. Review status: criteria provided, single submitter. Criteria: GeneDx Variant Classification Process June 2021. Collection method: clinical testing. Allele origin: germline. Affected: yes. Not counted in ClinVar's aggregate classification.

Illumina Laboratory Services, Illumina
Classification: Likely benign for Usher syndrome type 1. Last evaluated: 2018-01-12. Review status: criteria provided, single submitter. Criteria: ICSL Variant Classification Criteria 13 December 2019. Collection method: clinical testing. Allele origin: germline. Not counted in ClinVar's aggregate classification.
Comment: This variant was observed in the ICSL laboratory as part of a predisposition screen in an ostensibly healthy population. It had not been previously curated by ICSL or reported in the Human Gene Mutation Database (HGMD: prior to June 1st, 2018), and was therefore a candidate for classification through an automated scoring system. Utilizing variant allele frequency, disease prevalence and penetrance estimates, and inheritance mode, an automated score was calculated to assess if this variant is too frequent to cause the disease. Based on the score and internal cut-off values, a variant classified as likely benign is not then subjected to further curation. The score for this variant resulted in a classification of likely benign for this disease.

Illumina Laboratory Services, Illumina
Classification: Uncertain significance for Autosomal recessive nonsyndromic hearing loss 2. Last evaluated: 2018-01-12. Review status: criteria provided, single submitter. Criteria: ICSL Variant Classification Criteria 13 December 2019. Collection method: clinical testing. Allele origin: germline. Not counted in ClinVar's aggregate classification.

Illumina Laboratory Services, Illumina
Classification: Benign for Autosomal dominant nonsyndromic hearing loss 11. Last evaluated: 2018-01-12. Review status: criteria provided, single submitter. Criteria: ICSL Variant Classification Criteria 13 December 2019. Collection method: clinical testing. Allele origin: germline. Not counted in ClinVar's aggregate classification.
Comment: This variant was observed in the ICSL laboratory as part of a predisposition screen in an ostensibly healthy population. It had not been previously curated by ICSL or reported in the Human Gene Mutation Database (HGMD: prior to June 1st, 2018), and was therefore a candidate for classification through an automated scoring system. Utilizing variant allele frequency, disease prevalence and penetrance estimates, and inheritance mode, an automated score was calculated to assess if this variant is too frequent to cause the disease. Based on the score and internal cut-off values, a variant classified as benign is not then subjected to further curation. The score for this variant resulted in a classification of benign for this disease.

Laboratory for Molecular Medicine, Mass General Brigham Personalized Medicine
Classification: Benign. Last evaluated: 2017-02-16. Review status: criteria provided, single submitter. Criteria: LMM Criteria. Collection method: clinical testing. Allele origin: germline. Observed: 3 variant alleles. Not counted in ClinVar's aggregate classification.
Comment: p.Tyr108Tyr in exon 5 of MYO7A: This variant is not expected to have clinical si gnificance because it does not alter an amino acid residue, is not located near a splice junction and it has been identified in 2.1% (132/6334) of East Asian ch romosomes by the Exome Aggregation Consortium (ExAC. org; dbSNP rs116892396).

Natera, Inc.
Classification: Benign for Usher syndrome type 1B. Last evaluated: 2019-12-06. Review status: no assertion criteria provided. Collection method: clinical testing. Allele origin: germline. Not counted in ClinVar's aggregate classification.

NM_000260.4(MYO7A):c.324C>T (p.Tyr108=)

Gene: MYO7A (myosin VIIA; plus strand). Cytogenetic location: 11q13.5.
Variant type: single nucleotide variant.
Coding change: c.324C>T on transcript NM_000260.4 (MANE Select); coding-DNA position 324, C replaced by T.
Protein change: p.Tyr108=; no amino-acid change (tyrosine 108 retained).
Molecular consequence: synonymous variant.
Genome position (GRCh38, 1-based): chr11:77,155,945, C>T. VCF-style: chr11-77155945-C-T. GRCh37 (hg19) VCF-style: chr11-76866991-C-T.
Other names: p.Tyr108Tyr; NM_000260.3(MYO7A):c.324C>T(p.Tyr108=); NM_000260.3(MYO7A):c.324C>T; c.324C>T, p.Tyr108= (NM_001127180.2); c.291C>T, p.Tyr97= (NM_001369365.1).
Identifiers: ClinVar variation 43201 (VCV000043201.31), dbSNP rs116892396, ClinGen allele CA132282.